The following is an entry in ClinVar:

ClinVar aggregate classification (germline): Uncertain significance (1 of 4 stars; one submission).

Allele frequency attached by ClinVar (database versions not stated): gnomAD 0.00002; gnomAD exomes 0.00002; TOPMed 0.00002; ExAC 0.00003.

Submission:

Labcorp Genetics (formerly Invitae), Labcorp
Classification: Uncertain significance. Last evaluated: 2022-12-10. Review status: criteria provided, single submitter. Criteria: Invitae Variant Classification Sherloc (09022015). Collection method: clinical testing. Allele origin: germline.
Comment: In summary, the available evidence is currently insufficient to determine the role of this variant in disease. Therefore, it has been classified as a Variant of Uncertain Significance. Algorithms developed to predict the effect of missense changes on protein structure and function are either unavailable or do not agree on the potential impact of this missense change (SIFT: "Deleterious"; PolyPhen-2: "Possibly Damaging"; Align-GVGD: "Class C0"). This variant has not been reported in the literature in individuals affected with NEUROG3-related conditions. This variant is present in population databases (rs777867260, gnomAD 0.003%). This sequence change replaces leucine, which is neutral and non-polar, with phenylalanine, which is neutral and non-polar, at codon 172 of the NEUROG3 protein (p.Leu172Phe).

NM_020999.4(NEUROG3):c.514C>T (p.Leu172Phe)

Gene: NEUROG3 (neurogenin 3; minus strand). Cytogenetic location: 10q22.1.
Variant type: single nucleotide variant.
Coding change: c.514C>T on transcript NM_020999.4 (MANE Select); coding-DNA position 514, C replaced by T.
Protein change: p.Leu172Phe; replaces leucine 172 with phenylalanine.
Molecular consequence: missense variant.
Genome position (GRCh38, 1-based): chr10:69,572,530, G>A on the plus strand (C>T on the coding strand, the complement: NEUROG3 is on the minus strand). VCF-style: chr10-69572530-G-A. GRCh37 (hg19) VCF-style: chr10-71332286-G-A.
Other names: short protein forms L172F.
Identifiers: ClinVar variation 2173803 (VCV002173803.2), dbSNP rs777867260, ClinGen allele CA5533679.
Genomic context (GRCh38, chr10:69,572,530, plus strand): 5'-GTCGCTCCTCCAGCGACGCGGCGGGACTCAGGCTGCCAGCCTGGGAGACTGGGGAGTAGA[G>A]GGACCCCCAGTCCCCGGGGGAACCGCCTGGGCTGCCCAGCTCCCCGCAGTGCGGCGCCGG-3'
Protein context (NP_066279.2, residues 162-182): PGGSPGDWGS[Leu172Phe]YSPVSQAGSL